The following is an entry in ClinVar:

NM_003245.4(TGM3):c.450T>C (p.Ala150=)

Gene: TGM3 (transglutaminase 3; plus strand). Cytogenetic location: 20p13.
Variant type: single nucleotide variant.
Coding change: c.450T>C on transcript NM_003245.4 (MANE Select); coding-DNA position 450, T replaced by C.
Protein change: p.Ala150=; no amino-acid change (alanine 150 retained).
Molecular consequence: synonymous variant.
Genome position (GRCh38, 1-based): chr20:2,311,039, T>C. VCF-style: chr20-2311039-T-C. GRCh37 (hg19) VCF-style: chr20-2291685-T-C.
Identifiers: ClinVar variation 4980177 (VCV004980177.1).
Genomic context (GRCh38, chr20:2,311,039, plus strand): 5'-AGTCGCTGGTGTCTGCTTTTTGTATCAAATAGTGGATAGCGTCTTTATGGGTAACCACGC[T>C]GAGAGAGAAGAGTATGTTCAGGAAGATGCCGGCATCATCTTTGTGGGAAGCACAAACCGA-3'
Protein context (NP_003236.3, residues 140-160): NVDSVFMGNH[Ala150=]EREEYVQEDA

ClinVar aggregate classification (germline): Likely benign (1 of 4 stars; one submission).

Conditions:
TGM3-related disorder. Also called: TGM3-related condition.

gnomAD v4.1: 297 of 1,614,060 alleles (0.018%); highest among the groups gnomAD compares: African/African-American, 0.33%; 3 homozygotes.

Submission:

PreventionGenetics, part of Exact Sciences
Classification: Likely benign for TGM3-related condition. Last evaluated: 2024-12-02. Review status: criteria provided, single submitter. Criteria: ACMG Guidelines, 2015. Collection method: clinical testing. Allele origin: germline.
Comment: This variant is classified as likely benign based on ACMG/AMP sequence variant interpretation guidelines (Richards et al. 2015 PMID: 25741868, with internal and published modifications).